The following is an entry in ClinVar:

NM_024529.5(CDC73):c.893T>C (p.Phe298Ser)

Gene: CDC73 (cell division cycle 73; plus strand). Cytogenetic location: 1q31.2.
Variant type: single nucleotide variant.
Coding change: c.893T>C on transcript NM_024529.5 (MANE Select); coding-DNA position 893, T replaced by C.
Protein change: p.Phe298Ser; replaces phenylalanine 298 with serine.
Molecular consequence: missense variant.
Genome position (GRCh38, 1-based): chr1:193,150,368, T>C. VCF-style: chr1-193150368-T-C. GRCh37 (hg19) VCF-style: chr1-193119498-T-C.
Other names: short protein forms F298S.
Identifiers: ClinVar variation 2133951 (VCV002133951.4), dbSNP rs2527341639, ClinGen allele CA343965168.
Genomic context (GRCh38, chr1:193,150,368, plus strand): 5'-CCACTTTGCGCACCAAACAGCCTATCCCAGCTGCCTATAACAGATACGATCAGGAAAGAT[T>C]CAAAGGAAAAGAAGGCAAGTTGCTTAATTCTTATCTTCCCCTTAGTGTGGTTGTGTTGAA-3'
Protein context (NP_078805.3, residues 288-308): AAYNRYDQER[Phe298Ser]KGKEETEGFK

ClinVar aggregate classification (germline): Uncertain significance (1 of 4 stars; one submission).

Conditions:
Parathyroid carcinoma (PRTC). Also called: CDC73-Related Parathyroid Carcinoma; Parathyroid gland carcinoma. Identifiers: Orphanet 143, MedGen C0687150, MONDO:0012004, OMIM 608266, HP:0006780.

Submission:

Labcorp Genetics (formerly Invitae), Labcorp
Classification: Uncertain significance for Parathyroid carcinoma. Last evaluated: 2022-05-04. Review status: criteria provided, single submitter. Criteria: Invitae Variant Classification Sherloc (09022015). Collection method: clinical testing. Allele origin: germline.
Comment: In summary, the available evidence is currently insufficient to determine the role of this variant in disease. Therefore, it has been classified as a Variant of Uncertain Significance. Algorithms developed to predict the effect of missense changes on protein structure and function are either unavailable or do not agree on the potential impact of this missense change (SIFT: "Deleterious"; PolyPhen-2: "Probably Damaging"; Align-GVGD: "Class C0"). This variant has not been reported in the literature in individuals affected with CDC73-related conditions. This variant is not present in population databases (gnomAD no frequency). This sequence change replaces phenylalanine, which is neutral and non-polar, with serine, which is neutral and polar, at codon 298 of the CDC73 protein (p.Phe298Ser).